The following is an entry in ClinVar:

ClinVar aggregate classification (germline): Pathogenic (1 of 4 stars; one submission).

Conditions:
Hereditary cancer-predisposing syndrome. Also called: Tumor predisposition; Neoplastic Syndromes, Hereditary; Hereditary Cancer Syndrome; Hereditary neoplastic syndrome. Identifiers: Orphanet 140162, MedGen C0027672, MeSH D009386, MONDO:0015356.

Submission:

Ambry Genetics
Classification: Pathogenic for Hereditary cancer-predisposing syndrome. Last evaluated: 2021-08-26. Review status: criteria provided, single submitter. Criteria: Ambry Variant Classification Scheme 2023. Collection method: clinical testing. Allele origin: germline.
Comment: The p.K1079* pathogenic mutation (also known as c.3235A>T), located in coding exon 9 of the BRCA1 gene, results from an A to T substitution at nucleotide position 3235. This changes the amino acid from a lysine to a stop codon within coding exon 9. This alteration is expected to result in loss of function by premature protein truncation or nonsense-mediated mRNA decay. As such, this alteration is interpreted as a disease-causing mutation.

Literature cited by the submitters: PubMed 31565484; PubMed 33563323.

NM_007294.4(BRCA1):c.3235A>T (p.Lys1079Ter)

Genes: BRCA1 (BRCA1 DNA repair associated; minus strand), LOC126862571 (BRD4-independent group 4 enhancer GRCh37_chr17:41243136-41244335; plus strand). Cytogenetic location: 17q21.31.
Variant type: single nucleotide variant.
Coding change: c.3235A>T on transcript NM_007294.4 (MANE Select); coding-DNA position 3235, A replaced by T.
Protein change: p.Lys1079Ter; replaces lysine 1079 with a stop codon.
Molecular consequence: nonsense. On other transcripts: intron variant (137).
Genome position (GRCh38, 1-based): chr17:43,092,296, T>A on the plus strand (A>T on the coding strand, the complement: BRCA1 is on the minus strand). VCF-style: chr17-43092296-T-A. GRCh37 (hg19) VCF-style: chr17-41244313-T-A.
Other names: c.3022A>T, p.Lys1008Ter (NM_001407571.1, NM_001407853.1, NM_001407894.1 and 9 more transcripts); c.3235A>T, p.Lys1079Ter (NM_001407581.1, NM_001407582.1, NM_001407583.1 and 30 more transcripts); c.3232A>T, p.Lys1078Ter (NM_001407587.1, NM_001407590.1, NM_001407591.1 and 22 more transcripts); c.3226A>T, p.Lys1076Ter (NM_001407646.1, NM_001407647.1); c.3112A>T, p.Lys1038Ter (NM_001407648.1, NM_001407664.1, NM_001407665.1 and 19 more transcripts); c.3109A>T, p.Lys1037Ter (NM_001407649.1, NM_001407670.1, NM_001407671.1 and 11 more transcripts); c.3157A>T, p.Lys1053Ter (NM_001407653.1, NM_001407654.1, NM_001407655.1 and 4 more transcripts); c.3154A>T, p.Lys1052Ter (NM_001407659.1, NM_001407660.1, NM_001407661.1 and 1 more transcripts); and 41 more; short protein forms K1012*, K1031*, K1037*, K1053*, K1079*, K967*, K991*, K1038*.
Identifiers: ClinVar variation 1729232 (VCV001729232.2), dbSNP rs2154335427, ClinGen allele CA10595513.